The following is an entry in ClinVar:

NM_001040142.2(SCN2A):c.110C>G (p.Pro37Arg)

Gene: SCN2A (sodium voltage-gated channel alpha subunit 2; plus strand). Cytogenetic location: 2q24.3.
Variant type: single nucleotide variant.
Coding change: c.110C>G on transcript NM_001040142.2 (MANE Select); coding-DNA position 110, C replaced by G.
Protein change: p.Pro37Arg; replaces proline 37 with arginine.
Molecular consequence: missense variant.
Genome position (GRCh38, 1-based): chr2:165,295,933, C>G. VCF-style: chr2-165295933-C-G. GRCh37 (hg19) VCF-style: chr2-166152443-C-G.
Other names: c.110C>G, p.Pro37Arg (NM_001040143.2, NM_001371246.1, NM_001371247.1 and 1 more transcripts); short protein forms P37R.
Identifiers: ClinVar variation 2950505 (VCV002950505.3), dbSNP rs2467838210, ClinGen allele CA349010002.
Genomic context (GRCh38, chr2:165,295,933, plus strand): 5'-TTACCAGGGAATCCCTTGCTGCTATTGAACAACGCATTGCAGAAGAGAAAGCTAAGAGAC[C>G]CAAACAGGAACGCAAGGATGAGGATGATGAAAATGGCCCAAAGCCAAACAGTGACTTGGA-3'
Protein context (NP_001035232.1, residues 27-47): QRIAEEKAKR[Pro37Arg]KQERKDEDDE

ClinVar aggregate classification (germline): Uncertain significance (1 of 4 stars; one submission).

Conditions:
Developmental and epileptic encephalopathy, 11 (DEE11). Also called: Early infantile epileptic encephalopathy 11. Identifiers: Orphanet 1934, MedGen C3150987, MONDO:0013388, OMIM 613721.
Seizures, benign familial infantile, 3 (BFIS3). Also called: Familial neonatal seizures; CONVULSIONS, BENIGN FAMILIAL INFANTILE, 3. Identifiers: Orphanet 140927, Orphanet 306, MedGen C1843140, MONDO:0011904, OMIM 607745.

Submission:

Labcorp Genetics (formerly Invitae), Labcorp
Classification: Uncertain significance for Seizures, benign familial infantile, 3; Developmental and epileptic encephalopathy, 11. Last evaluated: 2023-12-02. Review status: criteria provided, single submitter. Criteria: Invitae Variant Classification Sherloc (09022015). Collection method: clinical testing. Allele origin: germline.
Comment: This sequence change replaces proline, which is neutral and non-polar, with arginine, which is basic and polar, at codon 37 of the SCN2A protein (p.Pro37Arg). This variant is not present in population databases (gnomAD no frequency). This variant has not been reported in the literature in individuals affected with SCN2A-related conditions. Advanced modeling of protein sequence and biophysical properties (such as structural, functional, and spatial information, amino acid conservation, physicochemical variation, residue mobility, and thermodynamic stability) performed at Invitae indicates that this missense variant is not expected to disrupt SCN2A protein function with a negative predictive value of 95%. In summary, the available evidence is currently insufficient to determine the role of this variant in disease. Therefore, it has been classified as a Variant of Uncertain Significance.